The following is an entry in ClinVar:

ClinVar aggregate classification (germline): Benign (1 of 4 stars; one submission).

Conditions:
Multicentric osteolysis nodulosis arthropathy spectrum. Identifiers: Orphanet 3460, Orphanet 371428, MedGen C1850155, MONDO:0018298.

Allele frequency attached by ClinVar (database versions not stated): TOPMed 0.00003; gnomAD exomes 0.00273; 1000 Genomes Project 30x 0.00281; 1000 Genomes Project 0.00339.
gnomAD v4.1: 69 of 152,650 alleles (0.045%); highest among the groups gnomAD compares: South Asian, 1.4%; 1 homozygote.

Submission:

Illumina Laboratory Services, Illumina
Classification: Benign for Multicentric osteolysis, nodulosis, and arthropathy. Last evaluated: 2018-01-13. Review status: criteria provided, single submitter. Criteria: ICSL Variant Classification Criteria 13 December 2019. Collection method: clinical testing. Allele origin: germline.
Comment: This variant was observed in the ICSL laboratory as part of a predisposition screen in an ostensibly healthy population. It had not been previously curated by ICSL or reported in the Human Gene Mutation Database (HGMD: prior to June 1st, 2018), and was therefore a candidate for classification through an automated scoring system. Utilizing variant allele frequency, disease prevalence and penetrance estimates, and inheritance mode, an automated score was calculated to assess if this variant is too frequent to cause the disease. Based on the score and internal cut-off values, a variant classified as benign is not then subjected to further curation. The score for this variant resulted in a classification of benign for this disease.

NM_004530.6(MMP2):c.*669C>G

Gene: MMP2 (matrix metallopeptidase 2; plus strand). Cytogenetic location: 16q12.2.
Variant type: single nucleotide variant.
Coding change: c.*669C>G on transcript NM_004530.6 (MANE Select); 669 bases downstream of the stop codon, C replaced by G.
Molecular consequence: 3 prime UTR variant.
Genome position (GRCh38, 1-based): chr16:55,506,111, C>G. VCF-style: chr16-55506111-C-G. GRCh37 (hg19) VCF-style: chr16-55540023-C-G.
Other names: c.*669C>G (NM_001127891.3, NM_001302508.1, NM_001302509.2 and 1 more transcripts).
Identifiers: ClinVar variation 319782 (VCV000319782.5), dbSNP rs17860024, ClinGen allele CA10647743.